The following is an entry in ClinVar:

ClinVar aggregate classification (germline): Uncertain significance (1 of 4 stars; one submission).

Conditions:
Inborn genetic diseases. Identifiers: MedGen C0950123, MeSH D030342.

gnomAD v4.1: 1 of 1,612,100 alleles (0.000062%); highest among the groups gnomAD compares: Non-Finnish European, 0.000085%; no homozygotes.

Submission:

Ambry Genetics
Classification: Uncertain significance for Inborn genetic diseases. Last evaluated: 2026-04-28. Review status: criteria provided, single submitter. Criteria: Ambry Variant Classification Scheme 2023. Collection method: clinical testing. Allele origin: germline.
Comment: The c.2644G>T (p.D882Y) alteration is located in exon 15 (coding exon 15) of the AGRN gene. This alteration results from a G to T substitution at nucleotide position 2644, causing the aspartic acid (D) at amino acid position 882 to be replaced by a tyrosine (Y). Based on data from gnomAD, the T allele has an overall frequency of <0.001% (1/248870) total alleles studied. The highest observed frequency was 0.001% (1/112540) of European (non-Finnish) alleles. Based on insufficient or conflicting evidence, the clinical significance of this alteration remains unclear.

NM_198576.4(AGRN):c.2644G>T (p.Asp882Tyr)

Gene: AGRN (agrin; plus strand). Cytogenetic location: 1p36.33.
Variant type: single nucleotide variant.
Coding change: c.2644G>T on transcript NM_198576.4 (MANE Select); coding-DNA position 2644, G replaced by T.
Protein change: p.Asp882Tyr; replaces aspartic acid 882 with tyrosine.
Molecular consequence: missense variant.
Genome position (GRCh38, 1-based): chr1:1,045,840, G>T. VCF-style: chr1-1045840-G-T. GRCh37 (hg19) VCF-style: chr1-981220-G-T.
Other names: c.2644G>T, p.Asp882Tyr (NM_001305275.2); c.2329G>T, p.Asp777Tyr (NM_001364727.2); short protein forms D777Y, D882Y.
Identifiers: ClinVar variation 4868266 (VCV004868266.1).
Genomic context (GRCh38, chr1:1,045,840, plus strand): 5'-ATGACGGGGCTGTGCTCGTGTAAGCCCGGGGTGGCTGGACCCAAGTGTGGGCAGTGTCCA[G>T]ACGGCCGTGCCCTGGGCCCCGCGGGCTGTGAAGCTGGTGAGTGAGGGCCAGCGCTACCCT-3'
Protein context (NP_940978.2, residues 872-892): VAGPKCGQCP[Asp882Tyr]GRALGPAGCE